The following is an entry in ClinVar:

NM_001377.3(DYNC2H1):c.7879A>C (p.Ile2627Leu)

Gene: DYNC2H1 (dynein cytoplasmic 2 heavy chain 1; plus strand). Cytogenetic location: 11q22.3.
Variant type: single nucleotide variant.
Coding change: c.7879A>C on transcript NM_001377.3 (MANE Select); coding-DNA position 7879, A replaced by C.
Protein change: p.Ile2627Leu; replaces isoleucine 2627 with leucine.
Molecular consequence: missense variant.
Genome position (GRCh38, 1-based): chr11:103,199,267, A>C. VCF-style: chr11-103199267-A-C. GRCh37 (hg19) VCF-style: chr11-103069996-A-C.
Other names: c.7879A>C, p.Ile2627Leu (NM_001080463.2); c.7879A>C (NM_001080463.1); short protein forms I2627L.
Identifiers: ClinVar variation 1360019 (VCV001360019.8), dbSNP rs751745945, ClinGen allele CA6254348.

ClinVar aggregate classification (germline): Uncertain significance. Review status: criteria provided, multiple submitters, no conflicts (2 of 4 stars). 2 submissions from 2 submitters: Uncertain significance (2). Last evaluated 2024-09-08.

Conditions:
Jeune thoracic dystrophy. Also called: Jeune syndrome; Infantile thoracic dystrophy; Thoracic pelvic phalangeal dystrophy; Jeune's syndrome; Chondroectodermal dysplasia-like syndrome; Short-rib thoracic dysplasia. Identifiers: Orphanet 474, MedGen C0265275, MONDO:0018770.
Inborn genetic diseases. Identifiers: MedGen C0950123, MeSH D030342.

Allele frequency attached by ClinVar (database versions not stated): gnomAD 0.00002; gnomAD exomes 0.00002 and 0.00003; TOPMed 0.00004; ExAC 0.00006.
gnomAD v4.1: 42 of 1,607,354 alleles (0.0026%); highest among the groups gnomAD compares: Non-Finnish European, 0.0034%; no homozygotes.

Submissions (2):

Ambry Genetics
Classification: Uncertain significance for Inborn genetic diseases. Last evaluated: 2024-09-08. Review status: criteria provided, single submitter. Criteria: Ambry Variant Classification Scheme 2023. Collection method: clinical testing. Allele origin: germline.

Labcorp Genetics (formerly Invitae), Labcorp
Classification: Uncertain significance for Jeune thoracic dystrophy. Last evaluated: 2024-08-19. Review status: criteria provided, single submitter. Criteria: Invitae Variant Classification Sherloc (09022015). Collection method: clinical testing. Allele origin: germline.
Comment: This sequence change replaces isoleucine, which is neutral and non-polar, with leucine, which is neutral and non-polar, at codon 2627 of the DYNC2H1 protein (p.Ile2627Leu). This variant is present in population databases (rs751745945, gnomAD 0.006%). This variant has not been reported in the literature in individuals affected with DYNC2H1-related conditions. ClinVar contains an entry for this variant (Variation ID: 1360019). Invitae Evidence Modeling of protein sequence and biophysical properties (such as structural, functional, and spatial information, amino acid conservation, physicochemical variation, residue mobility, and thermodynamic stability) indicates that this missense variant is not expected to disrupt DYNC2H1 protein function with a negative predictive value of 95%. In summary, the available evidence is currently insufficient to determine the role of this variant in disease. Therefore, it has been classified as a Variant of Uncertain Significance.